The following is an entry in ClinVar:

NM_033310.3(KCNK4):c.590G>A (p.Trp197Ter)

Genes: KCNK4 (potassium two pore domain channel subfamily K member 4; plus strand), KCNK4-CATSPERZ (KCNK4-CATSPERZ readthrough (NMD candidate); plus strand). Cytogenetic location: 11q13.1.
Variant type: single nucleotide variant.
Coding change: c.590G>A on transcript NM_033310.3 (MANE Select); coding-DNA position 590, G replaced by A.
Protein change: p.Trp197Ter; replaces tryptophan 197 with a stop codon.
Molecular consequence: nonsense. On other transcripts: non-coding transcript variant (1).
Genome position (GRCh38, 1-based): chr11:64,297,582, G>A. VCF-style: chr11-64297582-G-A. GRCh37 (hg19) VCF-style: chr11-64065054-G-A.
Other names: c.590G>A, p.Trp197Ter (NM_001317090.2); short protein forms W197*.
Identifiers: ClinVar variation 4072736 (VCV004072736.1).

ClinVar aggregate classification (germline): Uncertain significance (1 of 4 stars; one submission).

gnomAD v4.1: 1 of 1,614,182 alleles (0.000062%); highest among the groups gnomAD compares: Non-Finnish European, 0.000085%; no homozygotes.

Submission:

GeneDx
Classification: Uncertain significance. Last evaluated: 2025-01-30. Review status: criteria provided, single submitter. Criteria: GeneDx Variant Classification Process June 2021. Collection method: clinical testing. Allele origin: germline. Affected: yes.
Comment: Not observed at significant frequency in large population cohorts (gnomAD); Has not been previously published as pathogenic or benign to our knowledge; Nonsense variant predicted to result in protein truncation or nonsense mediated decay in a gene for which loss-of-function is not an established mechanism of disease